The following is an entry in ClinVar:

ClinVar aggregate classification (germline): Uncertain significance (1 of 4 stars; one submission).

gnomAD v4.1: 14 of 1,551,372 alleles (0.0009%); highest among the groups gnomAD compares: Non-Finnish European, 0.0011%; no homozygotes.

Submission:

Labcorp Genetics (formerly Invitae), Labcorp
Classification: Uncertain significance. Last evaluated: 2024-11-23. Review status: criteria provided, single submitter. Criteria: Invitae Variant Classification Sherloc (09022015). Collection method: clinical testing. Allele origin: germline.
Comment: This sequence change replaces arginine, which is basic and polar, with histidine, which is basic and polar, at codon 1359 of the TET2 protein (p.Arg1359His). This variant is not present in population databases (gnomAD no frequency). This variant has not been reported in the literature in individuals affected with TET2-related conditions. An algorithm developed to predict the effect of missense changes on protein structure and function (PolyPhen-2) suggests that this variant is likely to be disruptive. In summary, the available evidence is currently insufficient to determine the role of this variant in disease. Therefore, it has been classified as a Variant of Uncertain Significance.

NM_001127208.3(TET2):c.4076G>A (p.Arg1359His)

Genes: TET2 (tet methylcytosine dioxygenase 2; plus strand), TET2-AS1 (TET2 antisense RNA 1; minus strand). Cytogenetic location: 4q24.
Variant type: single nucleotide variant.
Coding change: c.4076G>A on transcript NM_001127208.3 (MANE Select); coding-DNA position 4076, G replaced by A.
Protein change: p.Arg1359His; replaces arginine 1359 with histidine.
Molecular consequence: missense variant.
Genome position (GRCh38, 1-based): chr4:105,269,641, G>A. VCF-style: chr4-105269641-G-A. GRCh37 (hg19) VCF-style: chr4-106190798-G-A.
Other names: short protein forms R1359H.
Identifiers: ClinVar variation 3619754 (VCV003619754.2).
Genomic context (GRCh38, chr4:105,269,641, plus strand): 5'-TCGCATTCACACACACTTTTATTTTTCAGATTGAATATGAACACAGAGCACCAGAGTGCC[G>A]TCTGGGTCTGAAGGAAGGCCGTCCATTCTCAGGGGTCACTGCATGTTTGGACTTCTGTGC-3'
Protein context (NP_001120680.1, residues 1349-1369): IEYEHRAPEC[Arg1359His]LGLKEGRPFS